The following is an entry in ClinVar:

NM_198578.4(LRRK2):c.6625G>T (p.Val2209Phe)

Gene: LRRK2 (leucine rich repeat kinase 2; plus strand). Cytogenetic location: 12q12.
Variant type: single nucleotide variant.
Coding change: c.6625G>T on transcript NM_198578.4 (MANE Select); coding-DNA position 6625, G replaced by T.
Protein change: p.Val2209Phe; replaces valine 2209 with phenylalanine.
Molecular consequence: missense variant.
Genome position (GRCh38, 1-based): chr12:40,354,347, G>T. VCF-style: chr12-40354347-G-T. GRCh37 (hg19) VCF-style: chr12-40748149-G-T.
Other names: short protein forms V2209F.
Identifiers: ClinVar variation 1754539 (VCV001754539.2), dbSNP rs2499993379, ClinGen allele CA384408911.

ClinVar aggregate classification (germline): Uncertain significance (1 of 4 stars; one submission).

Conditions:
Inborn genetic diseases. Identifiers: MedGen C0950123, MeSH D030342.

Submission:

Ambry Genetics
Classification: Uncertain significance for Inborn genetic diseases. Last evaluated: 2021-11-16. Review status: criteria provided, single submitter. Criteria: Ambry Variant Classification Scheme 2023. Collection method: clinical testing. Allele origin: germline.
Comment: The p.V2209F variant (also known as c.6625G>T), located in coding exon 45 of the LRRK2 gene, results from a G to T substitution at nucleotide position 6625. The valine at codon 2209 is replaced by phenylalanine, an amino acid with highly similar properties. This amino acid position is conserved. In addition, this alteration is predicted to be tolerated by in silico analysis. Since supporting evidence is limited at this time, the clinical significance of this alteration remains unclear.